The following is an entry in ClinVar:

ClinVar aggregate classification (germline): Uncertain significance (1 of 4 stars; one submission).

Conditions:
Ichthyosis linearis circumflexa. Identifiers: MedGen C0265962, MONDO:0043106, HP:0025810.

gnomAD v4.1: 2 of 1,613,218 alleles (0.00012%); highest among the groups gnomAD compares: Non-Finnish European, 0.00017%; no homozygotes.

Submission:

Labcorp Genetics (formerly Invitae), Labcorp
Classification: Uncertain significance for Ichthyosis linearis circumflexa. Last evaluated: 2024-03-21. Review status: criteria provided, single submitter. Criteria: Invitae Variant Classification Sherloc (09022015). Collection method: clinical testing. Allele origin: germline.
Comment: This sequence change replaces arginine, which is basic and polar, with glycine, which is neutral and non-polar, at codon 383 of the SPINK5 protein (p.Arg383Gly). This variant is present in population databases (no rsID available, gnomAD 0.007%). This variant has not been reported in the literature in individuals affected with SPINK5-related conditions. Advanced modeling of protein sequence and biophysical properties (such as structural, functional, and spatial information, amino acid conservation, physicochemical variation, residue mobility, and thermodynamic stability) has been performed at Invitae for this missense variant, however the output from this modeling did not meet the statistical confidence thresholds required to predict the impact of this variant on SPINK5 protein function. In summary, the available evidence is currently insufficient to determine the role of this variant in disease. Therefore, it has been classified as a Variant of Uncertain Significance.

NM_006846.4(SPINK5):c.1147A>G (p.Arg383Gly)

Gene: SPINK5 (serine peptidase inhibitor Kazal type 5; plus strand). Cytogenetic location: 5q32.
Variant type: single nucleotide variant.
Coding change: c.1147A>G on transcript NM_006846.4 (MANE Select); coding-DNA position 1147, A replaced by G.
Protein change: p.Arg383Gly; replaces arginine 383 with glycine.
Molecular consequence: missense variant.
Genome position (GRCh38, 1-based): chr5:148,100,508, A>G. VCF-style: chr5-148100508-A-G. GRCh37 (hg19) VCF-style: chr5-147480071-A-G.
Other names: c.1147A>G, p.Arg383Gly (NM_001127698.2, NM_001127699.2); short protein forms R383G.
Identifiers: ClinVar variation 3620015 (VCV003620015.2).